The following is an entry in ClinVar:

NM_005477.3(HCN4):c.2143+1G>C

Gene: HCN4 (hyperpolarization activated cyclic nucleotide gated potassium channel 4; minus strand). Cytogenetic location: 15q24.1.
Variant type: single nucleotide variant.
Coding change: c.2143+1G>C on transcript NM_005477.3 (MANE Select); the canonical splice donor site of the intron after coding-DNA position 2143, G replaced by C.
Molecular consequence: splice donor variant.
Genome position (GRCh38, 1-based): chr15:73,324,088, C>G on the plus strand (G>C on the coding strand, the complement: HCN4 is on the minus strand). VCF-style: chr15-73324088-C-G. GRCh37 (hg19) VCF-style: chr15-73616429-C-G.
Identifiers: ClinVar variation 2695115 (VCV002695115.3), dbSNP rs1555475434, ClinGen allele CA393089786.

ClinVar aggregate classification (germline): Uncertain significance (1 of 4 stars; one submission).

Conditions:
Brugada syndrome 8 (BRGDA8). Identifiers: Orphanet 130, MedGen C2751083, MONDO:0013148, OMIM 613123.

Submission:

Labcorp Genetics (formerly Invitae), Labcorp
Classification: Uncertain significance for Brugada syndrome 8. Last evaluated: 2023-12-21. Review status: criteria provided, single submitter. Criteria: Invitae Variant Classification Sherloc (09022015). Collection method: clinical testing. Allele origin: germline.
Comment: This sequence change falls in intron 7 of the HCN4 gene. It does not directly change the encoded amino acid sequence of the HCN4 protein. It affects a nucleotide within the consensus splice site. This variant is not present in population databases (gnomAD no frequency). This variant has not been reported in the literature in individuals affected with HCN4-related conditions. Variants that disrupt the consensus splice site are a relatively common cause of aberrant splicing (PMID: 17576681, 9536098). Algorithms developed to predict the effect of sequence changes on RNA splicing suggest that this variant may disrupt the consensus splice site. In summary, the available evidence is currently insufficient to determine the role of this variant in disease. Therefore, it has been classified as a Variant of Uncertain Significance.

Literature cited by the submitters: PubMed 17576681; PubMed 9536098.